The following is an entry in ClinVar:

ClinVar aggregate classification (germline): Conflicting classifications of pathogenicity. Review status: criteria provided, conflicting classifications (1 of 4 stars). 3 submissions from 3 submitters: Uncertain significance (2); Likely benign (1). Last evaluated 2025-04-14.

Conditions:
Inborn genetic diseases. Identifiers: MedGen C0950123, MeSH D030342.

Allele frequency attached by ClinVar (database versions not stated): gnomAD exomes 0.00004 and 0.00008; TOPMed 0.00005; gnomAD 0.00006; ExAC 0.00007; ESP Exome Variant Server 0.00008.
gnomAD v4.1: 72 of 1,614,046 alleles (0.0045%); highest among the groups gnomAD compares: Middle Eastern, 0.099%; no homozygotes.

Submissions (3):

Ambry Genetics
Classification: Uncertain significance for Inborn genetic diseases. Last evaluated: 2025-04-14. Review status: criteria provided, single submitter. Criteria: Ambry Variant Classification Scheme 2023. Collection method: clinical testing. Allele origin: germline.

Labcorp Genetics (formerly Invitae), Labcorp
Classification: Uncertain significance. Last evaluated: 2024-10-22. Review status: criteria provided, single submitter. Criteria: Invitae Variant Classification Sherloc (09022015). Collection method: clinical testing. Allele origin: germline.
Comment: This sequence change replaces alanine, which is neutral and non-polar, with valine, which is neutral and non-polar, at codon 477 of the GRM6 protein (p.Ala477Val). This variant is present in population databases (rs201164865, gnomAD 0.06%). This variant has not been reported in the literature in individuals affected with GRM6-related conditions. ClinVar contains an entry for this variant (Variation ID: 1021660). Invitae Evidence Modeling of protein sequence and biophysical properties (such as structural, functional, and spatial information, amino acid conservation, physicochemical variation, residue mobility, and thermodynamic stability) indicates that this missense variant is not expected to disrupt GRM6 protein function with a negative predictive value of 95%. Algorithms developed to predict the effect of sequence changes on RNA splicing suggest that this variant may disrupt the consensus splice site. In summary, the available evidence is currently insufficient to determine the role of this variant in disease. Therefore, it has been classified as a Variant of Uncertain Significance.

Blueprint Genetics
Classification: Likely benign. Last evaluated: 2024-07-10. Review status: criteria provided, single submitter. Criteria: ACMG Guidelines, 2015. Collection method: clinical testing. Allele origin: germline.

NM_000843.4(GRM6):c.1430C>T (p.Ala477Val)

Genes: GRM6 (glutamate metabotropic receptor 6; minus strand), ZNF454 (zinc finger protein 454; plus strand). Cytogenetic location: 5q35.3.
Variant type: single nucleotide variant.
Coding change: c.1430C>T on transcript NM_000843.4 (MANE Select); coding-DNA position 1430, C replaced by T.
Protein change: p.Ala477Val; replaces alanine 477 with valine.
Molecular consequence: missense variant.
Genome position (GRCh38, 1-based): chr5:178,986,908, G>A on the plus strand (C>T on the coding strand, the complement: GRM6 is on the minus strand). VCF-style: chr5-178986908-G-A. GRCh37 (hg19) VCF-style: chr5-178413909-G-A.
Other names: c.1430C>T (NM_000843.3); short protein forms A477V.
Identifiers: ClinVar variation 1021660 (VCV001021660.10), dbSNP rs201164865, ClinGen allele CA3594052.